The following is an entry in ClinVar:

NM_198525.3(KIF7):c.1443+18T>G

Gene: KIF7 (kinesin family member 7; minus strand). Cytogenetic location: 15q26.1.
Variant type: single nucleotide variant.
Coding change: c.1443+18T>G on transcript NM_198525.3 (MANE Select); 18 bases into the intron after coding-DNA position 1443, T replaced by G.
Molecular consequence: intron variant.
Genome position (GRCh38, 1-based): chr15:89,648,237, A>C on the plus strand (T>G on the coding strand, the complement: KIF7 is on the minus strand). VCF-style: chr15-89648237-A-C. GRCh37 (hg19) VCF-style: chr15-90191468-A-C.
Identifiers: ClinVar variation 513027 (VCV000513027.2), dbSNP rs1322359403, ClinGen allele CA658798424.

ClinVar aggregate classification (germline): Likely benign. Review status: criteria provided, multiple submitters, no conflicts (2 of 4 stars). 2 submissions from 2 submitters: Likely benign (2). Last evaluated 2025-07-27.

Conditions:
Acrocallosal syndrome (ACLS). Also called: HALLUX DUPLICATION, POSTAXIAL POLYDACTYLY, AND ABSENCE OF CORPUS CALLOSUM; Schinzel syndrome 1; Absence of corpus callosum with unusual facial appearance, mental deficiency, duplication of the halluces and polydactyly. Identifiers: Orphanet 36, MedGen C0796147, MONDO:0008708, OMIM 200990.

gnomAD v4.1: 7 of 1,497,018 alleles (0.00047%); highest among the groups gnomAD compares: African/African-American, 0.0014%; no homozygotes.

Submissions (2):

Labcorp Genetics (formerly Invitae), Labcorp
Classification: Likely benign for Acrocallosal syndrome. Last evaluated: 2025-07-27. Review status: criteria provided, single submitter. Criteria: Invitae Variant Classification Sherloc (09022015). Collection method: clinical testing. Allele origin: germline.

GeneDx
Classification: Likely benign. Last evaluated: 2017-10-31. Review status: criteria provided, single submitter. Criteria: GeneDx Variant Classification (06012015). Collection method: clinical testing. Allele origin: germline. Affected: yes.
Comment: This variant is considered likely benign or benign based on one or more of the following criteria: it is a conservative change, it occurs at a poorly conserved position in the protein, it is predicted to be benign by multiple in silico algorithms, and/or has population frequency not consistent with disease.